The following is an entry in ClinVar:

NM_005431.2(XRCC2):c.568G>T (p.Val190Phe)

Gene: XRCC2 (X-ray repair cross complementing 2; minus strand). Cytogenetic location: 7q36.1.
Variant type: single nucleotide variant.
Coding change: c.568G>T on transcript NM_005431.2 (MANE Select); coding-DNA position 568, G replaced by T.
Protein change: p.Val190Phe; replaces valine 190 with phenylalanine.
Molecular consequence: missense variant.
Genome position (GRCh38, 1-based): chr7:152,648,917, C>A on the plus strand (G>T on the coding strand, the complement: XRCC2 is on the minus strand). VCF-style: chr7-152648917-C-A. GRCh37 (hg19) VCF-style: chr7-152346002-C-A.
Other names: short protein forms V190F.
Identifiers: ClinVar variation 4558653 (VCV004558653.1).

ClinVar aggregate classification (germline): Uncertain significance (1 of 4 stars; one submission).

Conditions:
Hereditary cancer-predisposing syndrome. Also called: Tumor predisposition; Hereditary Cancer Syndrome; Hereditary neoplastic syndrome; Neoplastic Syndromes, Hereditary. Identifiers: Orphanet 140162, MedGen C0027672, MeSH D009386, MONDO:0015356.

Submission:

Ambry Genetics
Classification: Uncertain significance for Hereditary cancer-predisposing syndrome. Last evaluated: 2025-12-05. Review status: criteria provided, single submitter. Criteria: Ambry Variant Classification Scheme 2023. Collection method: clinical testing. Allele origin: germline.
Comment: The p.V190F variant (also known as c.568G>T), located in coding exon 3 of the XRCC2 gene, results from a G to T substitution at nucleotide position 568. The valine at codon 190 is replaced by phenylalanine, an amino acid with highly similar properties. This amino acid position is conserved. In addition, this alteration is predicted to be tolerated by in silico analysis. Based on the available evidence, the clinical significance of this variant remains unclear.